The following is an entry in ClinVar:

ClinVar aggregate classification (germline): Uncertain significance (1 of 4 stars; one submission).

Allele frequency attached by ClinVar (database versions not stated): TOPMed below 0.00001.

Submission:

Labcorp Genetics (formerly Invitae), Labcorp
Classification: Uncertain significance. Last evaluated: 2022-02-20. Review status: criteria provided, single submitter. Criteria: Invitae Variant Classification Sherloc (09022015). Collection method: clinical testing. Allele origin: germline.
Comment: In summary, the available evidence is currently insufficient to determine the role of this variant in disease. Therefore, it has been classified as a Variant of Uncertain Significance. Algorithms developed to predict the effect of sequence changes on RNA splicing suggest that this variant may create or strengthen a splice site. This variant has not been reported in the literature in individuals affected with ZNF687-related conditions. This variant is not present in population databases (gnomAD no frequency). This variant, c.3241_3243dup, results in the insertion of 1 amino acid(s) of the ZNF687 protein (p.Gln1081dup), but otherwise preserves the integrity of the reading frame.

NM_020832.3(ZNF687):c.3241_3243dup (p.Gln1081_Ser1082insGln)

Gene: ZNF687 (zinc finger protein 687; plus strand). Cytogenetic location: 1q21.3.
Variant type: Duplication.
Coding change: c.3241_3243dup on transcript NM_020832.3 (MANE Select); coding-DNA positions 3241 to 3243, 3 bases duplicated (CAG; older notation c.3241_3243dupCAG).
Protein change: p.Gln1081_Ser1082insGln.
Molecular consequence: inframe insertion.
Genome position (GRCh38, 1-based): chr1:151,290,736-151,290,738, CAG duplicated. VCF-style (leftmost placement, unchanged base first): chr1-151290735-C-CCAG. GRCh37 (hg19) VCF-style: chr1-151263211-C-CCAG.
Other names: c.3241_3243dup, p.Gln1081_Ser1082insGln (NM_001304763.2, NM_001304764.2).
Identifiers: ClinVar variation 2100288 (VCV002100288.4), dbSNP rs1694200646, ClinGen allele CA2479523543.